The following is an entry in ClinVar:

ClinVar aggregate classification (germline): Uncertain significance (1 of 4 stars; one submission).

Conditions:
Cardiovascular phenotype. Identifiers: MedGen CN230736.

Allele frequency attached by ClinVar (database versions not stated): gnomAD exomes 0.00002.
gnomAD v4.1: 14 of 1,613,894 alleles (0.00087%); highest among the groups gnomAD compares: South Asian, 0.014%; no homozygotes.

Submission:

Ambry Genetics
Classification: Uncertain significance for Cardiovascular phenotype. Last evaluated: 2023-02-20. Review status: criteria provided, single submitter. Criteria: Ambry Variant Classification Scheme 2023. Collection method: clinical testing. Allele origin: germline.
Comment: The p.L442W variant (also known as c.1325T>G), located in coding exon 10 of the APOB gene, results from a T to G substitution at nucleotide position 1325. The leucine at codon 442 is replaced by tryptophan, an amino acid with similar properties. This amino acid position is conserved. In addition, the in silico prediction for this alteration is inconclusive. Since supporting evidence is limited at this time, the clinical significance of this alteration remains unclear.

NM_000384.3(APOB):c.1325T>G (p.Leu442Trp)

Gene: APOB (apolipoprotein B; minus strand). Cytogenetic location: 2p24.1.
Variant type: single nucleotide variant.
Coding change: c.1325T>G on transcript NM_000384.3 (MANE Select); coding-DNA position 1325, T replaced by G.
Protein change: p.Leu442Trp; replaces leucine 442 with tryptophan.
Molecular consequence: missense variant.
Genome position (GRCh38, 1-based): chr2:21,032,381, A>C on the plus strand (T>G on the coding strand, the complement: APOB is on the minus strand). VCF-style: chr2-21032381-A-C. GRCh37 (hg19) VCF-style: chr2-21255253-A-C.
Other names: short protein forms L442W.
Identifiers: ClinVar variation 921591 (VCV000921591.5), dbSNP rs1377752682, ClinGen allele CA345957455.
Genomic context (GRCh38, chr2:21,032,381, plus strand): 5'-TCCTAGGAGGAGAAATACAGTGTGGAAACTCACTTGTTGACCGCGTGGCTCAGCGCATAC[A>C]AGGTGGCTCGGCTGCGCTGATCCCTCGCCATGTTGAAGATCTCTCGCAGCTGCTGTGCTG-3'
Protein context (NP_000375.3, residues 432-452): MARDQRSRAT[Leu442Trp]YALSHAVNNY